The following is an entry in ClinVar:

ClinVar aggregate classification (germline): Uncertain significance (1 of 4 stars; one submission).

Conditions:
Hypertrophic cardiomyopathy. Also called: HYPERTROPHIC MYOCARDIOPATHY. Identifiers: Orphanet 217569, MedGen C0007194, MeSH D002312, MONDO:0005045, HP:0001639.

Submission:

Labcorp Genetics (formerly Invitae), Labcorp
Classification: Uncertain significance for Hypertrophic cardiomyopathy. Last evaluated: 2021-03-13. Review status: criteria provided, single submitter. Criteria: Invitae Variant Classification Sherloc (09022015). Collection method: clinical testing. Allele origin: germline.
Comment: This variant disrupts the p.Arg21 amino acid residue in TNNI3. Other variant(s) that disrupt this residue have been observed in affected individuals (PMID: 16267253), suggesting that it is a clinically significant residue. As a result, variants that disrupt this residue are likely to be causative of disease. In summary, the available evidence is currently insufficient to determine the role of this variant in disease. Therefore, it has been classified as a Variant of Uncertain Significance. This variant is not present in population databases (ExAC no frequency). Algorithms developed to predict the effect of missense changes on protein structure and function are either unavailable or do not agree on the potential impact of this missense change (SIFT: "Deleterious"; PolyPhen-2: "Not Available"; Align-GVGD: "Class C0"). This variant has not been reported in the literature in individuals with TNNI3-related disease. This sequence change replaces arginine with serine at codon 21 of the TNNI3 protein (p.Arg21Ser). The arginine residue is highly conserved and there is a moderate physicochemical difference between arginine and serine.

Literature cited by the submitters: PubMed 16267253.

NM_000363.5(TNNI3):c.61C>A (p.Arg21Ser)

Gene: TNNI3 (troponin I3, cardiac type; minus strand). Cytogenetic location: 19q13.42.
Variant type: single nucleotide variant.
Coding change: c.61C>A on transcript NM_000363.5 (MANE Select); coding-DNA position 61, C replaced by A.
Protein change: p.Arg21Ser; replaces arginine 21 with serine.
Molecular consequence: missense variant.
Genome position (GRCh38, 1-based): chr19:55,157,097, G>T on the plus strand (C>A on the coding strand, the complement: TNNI3 is on the minus strand). VCF-style: chr19-55157097-G-T. GRCh37 (hg19) VCF-style: chr19-55668465-G-T.
Other names: c.61C>A (LRG_432t1); short protein forms R21S.
Identifiers: ClinVar variation 653975 (VCV000653975.8), dbSNP rs267607128, ClinGen allele CA407443093.